The following is an entry in ClinVar:

NM_001005242.3(PKP2):c.2363C>T (p.Ala788Val)

Gene: PKP2 (plakophilin 2; minus strand). Cytogenetic location: 12p11.21.
Variant type: single nucleotide variant.
Coding change: c.2363C>T on transcript NM_001005242.3 (MANE Select); coding-DNA position 2363, C replaced by T.
Protein change: p.Ala788Val; replaces alanine 788 with valine.
Molecular consequence: missense variant.
Genome position (GRCh38, 1-based): chr12:32,792,726, G>A on the plus strand (C>T on the coding strand, the complement: PKP2 is on the minus strand). VCF-style: chr12-32792726-G-A. GRCh37 (hg19) VCF-style: chr12-32945660-G-A.
Other names: c.2495C>T, p.Ala832Val (NM_004572.4); short protein forms A788V, A832V.
Identifiers: ClinVar variation 847585 (VCV000847585.16), dbSNP rs763663760, ClinGen allele CA035631.

ClinVar aggregate classification (germline): Uncertain significance. Review status: criteria provided, multiple submitters, no conflicts (2 of 4 stars). 4 submissions from 4 submitters: Uncertain significance (4). Last evaluated 2024-09-02.

Conditions:
Cardiovascular phenotype. Identifiers: MedGen CN230736.
Arrhythmogenic right ventricular cardiomyopathy (ARVD). Also called: Cardiomyopathy, ARVC; Arrhythmogenic right ventricular dysplasia; Arrhythmogenic cardiomyopathy; Arrhythmogenic Right Ventricular Cardiomyopathy (ARVC). Identifiers: Orphanet 247, MedGen C0349788, MeSH D019571, MONDO:0016587. Disease mechanism: loss of function. Inheritance: Various modes of inheritance.
Cardiomyopathy (CMYO). Also called: Cardiomyopathies. Identifiers: Orphanet 167848, MedGen C0878544, MONDO:0004994, HP:0001638. Inheritance: Various modes of inheritance.
Arrhythmogenic right ventricular dysplasia 9 (ARVD9). Also called: Arrhythmogenic Right Ventricular Dysplasia/Cardiomyopathy 9; ARRHYTHMOGENIC RIGHT VENTRICULAR DYSPLASIA, FAMILIAL, 9. Identifiers: MedGen C1836906, MONDO:0012180, OMIM 609040.

Allele frequency attached by ClinVar (database versions not stated): gnomAD exomes below 0.00001; TOPMed below 0.00001; ExAC 0.00001; gnomAD 0.00001.
gnomAD v4.1: 3 of 1,613,224 alleles (0.00019%); highest among the groups gnomAD compares: Non-Finnish European, 0.00025%; no homozygotes.

Submissions (4):

Labcorp Genetics (formerly Invitae), Labcorp
Classification: Uncertain significance for Arrhythmogenic right ventricular dysplasia 9. Last evaluated: 2024-09-02. Review status: criteria provided, single submitter. Criteria: Invitae Variant Classification Sherloc (09022015). Collection method: clinical testing. Allele origin: germline.
Comment: This sequence change replaces alanine, which is neutral and non-polar, with valine, which is neutral and non-polar, at codon 832 of the PKP2 protein (p.Ala832Val). This variant is present in population databases (rs763663760, gnomAD 0.0009%). This variant has not been reported in the literature in individuals affected with PKP2-related conditions. ClinVar contains an entry for this variant (Variation ID: 847585). An algorithm developed to predict the effect of missense changes on protein structure and function (PolyPhen-2) suggests that this variant is likely to be tolerated. In summary, the available evidence is currently insufficient to determine the role of this variant in disease. Therefore, it has been classified as a Variant of Uncertain Significance.

Color Diagnostics, LLC DBA Color Health
Classification: Uncertain significance for Cardiomyopathy. Last evaluated: 2024-05-01. Review status: criteria provided, single submitter. Criteria: ACMG Guidelines, 2015. Collection method: clinical testing. Allele origin: germline.
Comment: This missense variant replaces alanine with valine at codon 832 of the PKP2 protein. Computational prediction suggests that this variant may not impact protein structure and function (internally defined REVEL score threshold <= 0.5, PMID: 27666373). To our knowledge, functional studies have not been reported for this variant. This variant has not been reported in individuals affected with PKP2-related disorders in the literature. This variant has been identified in 1/251388 chromosomes in the general population by the Genome Aggregation Database (gnomAD). The available evidence is insufficient to determine the role of this variant in disease conclusively. Therefore, this variant is classified as a Variant of Uncertain Significance.

All of Us Research Program, National Institutes of Health
Classification: Uncertain significance for Arrhythmogenic right ventricular cardiomyopathy. Last evaluated: 2023-12-13. Review status: criteria provided, single submitter. Criteria: ACMG Guidelines, 2015. Collection method: clinical testing. Allele origin: germline. Inheritance: Autosomal dominant inheritance. Observed: 5 variant alleles, 5 heterozygotes.
Comment: This missense variant replaces alanine with valine at codon 832 of the PKP2 protein. Computational prediction suggests that this variant may not impact protein structure and function (internally defined REVEL score threshold <= 0.5, PMID: 27666373). To our knowledge, functional studies have not been reported for this variant. This variant has not been reported in individuals affected with cardiovascular disorders in the literature. This variant has been identified in 1/251388 chromosomes in the general population by the Genome Aggregation Database (gnomAD). The available evidence is insufficient to determine the role of this variant in disease conclusively. Therefore, this variant is classified as a Variant of Uncertain Significance.

This study involves interpretation of variants in research participants for the purpose of population health screening. Participant phenotype was not available at the time of variant classification. Additional details can be found in publication PMID: 35346344, PMCID: PMC8962531

Ambry Genetics
Classification: Uncertain significance for Cardiovascular phenotype. Last evaluated: 2022-06-09. Review status: criteria provided, single submitter. Criteria: Ambry Variant Classification Scheme 2023. Collection method: clinical testing. Allele origin: germline.
Comment: The p.A832V variant (also known as c.2495C>T), located in coding exon 13 of the PKP2 gene, results from a C to T substitution at nucleotide position 2495. The alanine at codon 832 is replaced by valine, an amino acid with similar properties. This amino acid position is conserved. In addition, this alteration is predicted to be tolerated by in silico analysis. Since supporting evidence is limited at this time, the clinical significance of this alteration remains unclear.